The following is an entry in ClinVar:

ClinVar aggregate classification (germline): Likely benign. Review status: criteria provided, multiple submitters, no conflicts (2 of 4 stars). 3 submissions from 3 submitters: Likely benign (3). Last evaluated 2025-10-13.

Conditions:
Cardiomyopathy (CMYO). Also called: Cardiomyopathies. Identifiers: Orphanet 167848, MedGen C0878544, MONDO:0004994, HP:0001638. Inheritance: Various modes of inheritance.
Catecholaminergic polymorphic ventricular tachycardia 1. Also called: VENTRICULAR TACHYCARDIA, STRESS-INDUCED POLYMORPHIC 1; VENTRICULAR TACHYCARDIA, CATECHOLAMINERGIC POLYMORPHIC, 1, WITH OR WITHOUT ATRIAL DYSFUNCTION AND/OR DILATED CARDIOMYOPATHY; RYR2-Related Catecholaminergic Polymorphic Ventricular Tachycardia. Identifiers: Orphanet 3286, MedGen C1631597, MONDO:0011484, OMIM 604772.
Catecholaminergic polymorphic ventricular tachycardia (CVPT). Also called: Catecholamine-induced polymorphic ventricular tachycardia. Identifiers: Orphanet 3286, MedGen C5574922, MONDO:0017990.

Allele frequency attached by ClinVar (database versions not stated): gnomAD 0.00001.
gnomAD v4.1: 3 of 1,611,310 alleles (0.00019%); highest among the groups gnomAD compares: African/African-American, 0.0013%; no homozygotes.

Submissions (3):

Labcorp Genetics (formerly Invitae), Labcorp
Classification: Likely benign for Catecholaminergic polymorphic ventricular tachycardia 1. Last evaluated: 2025-10-13. Review status: criteria provided, single submitter. Criteria: Invitae Variant Classification Sherloc (09022015). Collection method: clinical testing. Allele origin: germline.

All of Us Research Program, National Institutes of Health
Classification: Likely benign for Catecholaminergic polymorphic ventricular tachycardia. Last evaluated: 2023-04-03. Review status: criteria provided, single submitter. Criteria: ACMG Guidelines, 2015. Collection method: clinical testing. Allele origin: germline. Inheritance: Autosomal dominant inheritance. Observed: 1 variant allele, 1 heterozygote.
Comment: This study involves interpretation of variants in research participants for the purpose of population health screening. Participant phenotype was not available at the time of variant classification. Additional details can be found in publication PMID: 35346344, PMCID: PMC8962531

Color Diagnostics, LLC DBA Color Health
Classification: Likely benign for Cardiomyopathy. Last evaluated: 2020-12-08. Review status: criteria provided, single submitter. Criteria: ACMG Guidelines, 2015. Collection method: clinical testing. Allele origin: germline.

NM_001035.3(RYR2):c.7513-13G>A

Gene: RYR2 (ryanodine receptor 2; plus strand). Cytogenetic location: 1q43.
Variant type: single nucleotide variant.
Coding change: c.7513-13G>A on transcript NM_001035.3 (MANE Select); 13 bases into the intron before coding-DNA position 7513, G replaced by A.
Molecular consequence: intron variant.
Genome position (GRCh38, 1-based): chr1:237,649,864, G>A. VCF-style: chr1-237649864-G-A. GRCh37 (hg19) VCF-style: chr1-237813164-G-A.
Identifiers: ClinVar variation 1171217 (VCV001171217.4), dbSNP rs1338880769, ClinGen allele CA733315582.